The following is an entry in ClinVar:

ClinVar aggregate classification (germline): Likely pathogenic. Review status: criteria provided, multiple submitters, no conflicts (2 of 4 stars). 2 submissions from 2 submitters: Likely pathogenic (2). Last evaluated 2024-03-14.

Conditions:
Farber lipogranulomatosis (FRBRL). Also called: AC DEFICIENCY; ACID CERAMIDASE DEFICIENCY; CERAMIDASE DEFICIENCY; N-LAURYLSPHINGOSINE DEACYLASE DEFICIENCY; Farber's lipogranulomatosis; Farber's disease. Identifiers: Orphanet 333, MedGen C0268255, MONDO:0009218, OMIM 228000.

Submissions (2):

Genomic Medicine Center of Excellence, King Faisal Specialist Hospital and Research Centre
Classification: Likely pathogenic for Farber lipogranulomatosis. Last evaluated: 2024-03-14. Review status: criteria provided, single submitter. Criteria: ACMG Guidelines, 2015. Collection method: clinical testing. Allele origin: germline.

Medical Affairs, Dicerna Pharmaceuticals
Classification: Likely pathogenic for Farber lipogranulomatosis. Last evaluated: 2019-06-18. Review status: criteria provided, single submitter. Criteria: ACMG Guidelines, 2015. Collection method: literature only. Allele origin: inherited. Inheritance: Autosomal recessive inheritance. Affected: yes. Observed: 2 variant alleles.
Comment: Variant c.290T>G has been given the clinical significance of likely pathogenic for the following reasons. The parents and a sibling sister are healthy carriers of the variant on a single allele. The mutation site was found to be highly conserved among different species using ClustalW2 alignment. Functional prediction tools indicated the mutation to be pathogenic. Electron microscopy based ultrastructural studies using skin biopsy showed inclusion of enlarged lysosomes and presence of the zebra bodies which are characteristic of Farber disease.

Twin siblings are homozygous for c.290T>G variants. In silico tools analyzing protein structure predict the variants are pathogenic.

Literature cited by the submitters: DOI 10.1016/j.braindev.2011.07.003 (cited by Medical Affairs, Dicerna Pharmaceuticals).

NM_177924.5(ASAH1):c.290T>G (p.Val97Gly)

Gene: ASAH1 (N-acylsphingosine amidohydrolase 1; minus strand). Cytogenetic location: 8p22.
Variant type: single nucleotide variant.
Coding change: c.290T>G on transcript NM_177924.5 (MANE Select); coding-DNA position 290, T replaced by G.
Protein change: p.Val97Gly; replaces valine 97 with glycine.
Molecular consequence: missense variant. On other transcripts: intron variant (1).
Genome position (GRCh38, 1-based): chr8:18,069,805, A>C on the plus strand (T>G on the coding strand, the complement: ASAH1 is on the minus strand). VCF-style: chr8-18069805-A-C. GRCh37 (hg19) VCF-style: chr8-17927314-A-C.
Other names: c.95T>G, p.Val32Gly (NM_001363743.2); c.338T>G, p.Val113Gly (NM_004315.6); c.285+1495T>G (NM_001127505.3); short protein forms V32G, V113G, V97G.
Identifiers: ClinVar variation 812472 (VCV000812472.2), dbSNP rs1588989964, ClinGen allele CA370433049.